The following is an entry in ClinVar:

ClinVar aggregate classification (germline): Uncertain significance (1 of 4 stars; one submission).

Conditions:
Familial acute necrotizing encephalopathy (IIAE3). Also called: ENCEPHALOPATHY, ACUTE, INFECTION-INDUCED, SUSCEPTIBILITY TO, 3; Susceptibility to Acute Necrotizing Encephalopathy 1. Identifiers: Orphanet 88619, MedGen C2675556, MONDO:0011953, OMIM 608033.

Allele frequency attached by ClinVar (database versions not stated): gnomAD exomes below 0.00001; ExAC 0.00001; TOPMed 0.00003; gnomAD 0.00004.
gnomAD v4.1: 6 of 1,611,822 alleles (0.00037%); highest among the groups gnomAD compares: African/African-American, 0.008%; no homozygotes.

Submission:

Labcorp Genetics (formerly Invitae), Labcorp
Classification: Uncertain significance for Familial acute necrotizing encephalopathy. Last evaluated: 2020-11-02. Review status: criteria provided, single submitter. Criteria: Invitae Variant Classification Sherloc (09022015). Collection method: clinical testing. Allele origin: germline.
Comment: The frequency data for this variant in the population databases is considered unreliable, as metrics indicate poor data quality at this position in the ExAC database. This variant has not been reported in the literature in individuals with RANBP2-related conditions. Algorithms developed to predict the effect of missense changes on protein structure and function are either unavailable or do not agree on the potential impact of this missense change (SIFT: "Deleterious"; PolyPhen-2: "Benign"; Align-GVGD: "Class C15"). In summary, the available evidence is currently insufficient to determine the role of this variant in disease. Therefore, it has been classified as a Variant of Uncertain Significance. This sequence change replaces leucine with phenylalanine at codon 450 of the RANBP2 protein (p.Leu450Phe). The leucine residue is highly conserved and there is a small physicochemical difference between leucine and phenylalanine.

NM_006267.5(RANBP2):c.1350A>T (p.Leu450Phe)

Gene: RANBP2 (RAN binding protein 2; plus strand). Cytogenetic location: 2q13.
Variant type: single nucleotide variant.
Coding change: c.1350A>T on transcript NM_006267.5 (MANE Select); coding-DNA position 1350, A replaced by T.
Protein change: p.Leu450Phe; replaces leucine 450 with phenylalanine.
Molecular consequence: missense variant.
Genome position (GRCh38, 1-based): chr2:108,751,340, A>T. VCF-style: chr2-108751340-A-T. GRCh37 (hg19) VCF-style: chr2-109367796-A-T.
Other names: short protein forms L450F.
Identifiers: ClinVar variation 1043718 (VCV001043718.5), dbSNP rs766607881, ClinGen allele CA1822307.